The following is an entry in ClinVar:

NM_002485.5(NBN):c.343G>T (p.Ala115Ser)

Gene: NBN (nibrin; minus strand). Cytogenetic location: 8q21.3.
Variant type: single nucleotide variant.
Coding change: c.343G>T on transcript NM_002485.5 (MANE Select); coding-DNA position 343, G replaced by T.
Protein change: p.Ala115Ser; replaces alanine 115 with serine.
Molecular consequence: missense variant.
Genome position (GRCh38, 1-based): chr8:89,980,871, C>A on the plus strand (G>T on the coding strand, the complement: NBN is on the minus strand). VCF-style: chr8-89980871-C-A. GRCh37 (hg19) VCF-style: chr8-90993099-C-A.
Other names: c.97G>T, p.Ala33Ser (NM_001024688.3); short protein forms A115S, A33S.
Identifiers: ClinVar variation 230180 (VCV000230180.13), dbSNP rs876658434, ClinGen allele CA10578803.

ClinVar aggregate classification (germline): Uncertain significance. Review status: criteria provided, multiple submitters, no conflicts (2 of 4 stars). 4 submissions from 4 submitters: Uncertain significance (4). Last evaluated 2026-04-09.

Conditions:
Hereditary cancer-predisposing syndrome. Also called: Tumor predisposition; Neoplastic Syndromes, Hereditary; Hereditary Cancer Syndrome; Hereditary neoplastic syndrome. Identifiers: Orphanet 140162, MedGen C0027672, MeSH D009386, MONDO:0015356.
Microcephaly, normal intelligence and immunodeficiency (NBS). Also called: IMMUNODEFICIENCY, MICROCEPHALY, AND CHROMOSOMAL INSTABILITY; Nijmegen breakage syndrome; Microcephaly with normal intelligence immunodeficiency and lymphoreticular malignancies; Nonsyndromal microcephaly autosomal recessive with normal intelligence; Seemanova syndrome 2; BERLIN BREAKAGE SYNDROME. Identifiers: Orphanet 647, MedGen C0398791, MONDO:0009623, OMIM 251260.

Allele frequency attached by ClinVar (database versions not stated): TOPMed 0.00001.
gnomAD v4.1: 1 of 1,612,568 alleles (0.000062%); highest among the groups gnomAD compares: Admixed American, 0.0017%; no homozygotes.

Submissions (4):

Women's Health and Genetics/Laboratory Corporation of America, LabCorp
Classification: Uncertain significance. Last evaluated: 2026-04-09. Review status: criteria provided, single submitter. Criteria: LabCorp Variant Classification Summary - May 2015. Collection method: clinical testing. Allele origin: germline.

Ambry Genetics
Classification: Uncertain significance for Hereditary cancer-predisposing syndrome. Last evaluated: 2025-01-09. Review status: criteria provided, single submitter. Criteria: Ambry Variant Classification Scheme 2023. Collection method: clinical testing. Allele origin: germline.
Comment: The p.A115S variant (also known as c.343G>T), located in coding exon 4 of the NBN gene, results from a G to T substitution at nucleotide position 343. The alanine at codon 115 is replaced by serine, an amino acid with similar properties. This amino acid position is not well conserved in available vertebrate species. In addition, this alteration is predicted to be tolerated by in silico analysis. Since supporting evidence is limited at this time, the clinical significance of this alteration remains unclear.

Genome-Nilou Lab
Classification: Uncertain significance for Microcephaly, normal intelligence and immunodeficiency. Last evaluated: 2021-11-07. Review status: criteria provided, single submitter. Criteria: ACMG Guidelines, 2015. Collection method: clinical testing. Allele origin: germline. Affected: no.

Labcorp Genetics (formerly Invitae), Labcorp
Classification: Uncertain significance for Microcephaly, normal intelligence and immunodeficiency. Last evaluated: 2021-09-23. Review status: criteria provided, single submitter. Criteria: Invitae Variant Classification Sherloc (09022015). Collection method: clinical testing. Allele origin: germline.
Comment: This sequence change replaces alanine with serine at codon 115 of the NBN protein (p.Ala115Ser). The alanine residue is weakly conserved and there is a moderate physicochemical difference between alanine and serine. This variant is not present in population databases (ExAC no frequency). This variant has not been reported in the literature in individuals affected with NBN-related conditions. ClinVar contains an entry for this variant (Variation ID: 230180). Algorithms developed to predict the effect of missense changes on protein structure and function (SIFT, PolyPhen-2, Align-GVGD) all suggest that this variant is likely to be tolerated. In summary, the available evidence is currently insufficient to determine the role of this variant in disease. Therefore, it has been classified as a Variant of Uncertain Significance.